The following is an entry in ClinVar:

ClinVar aggregate classification (germline): Uncertain significance. Review status: criteria provided, multiple submitters, no conflicts (2 of 4 stars). 2 submissions from 2 submitters: Uncertain significance (2). Last evaluated 2025-08-18.

Conditions:
Ellis-van Creveld syndrome (EVC). Also called: EVC-Related Ellis-van Creveld Syndrome; EVC2-Related Ellis-van Creveld Syndrome; MESOECTODERMAL DYSPLASIA; Chondroectodermal dysplasia. Identifiers: Orphanet 289, MedGen C0013903, MONDO:0009162, OMIM 225500.
Curry-Hall syndrome (WAD). Also called: WEYERS ACRODENTAL DYSOSTOSIS. Identifiers: Orphanet 952, MedGen C0457013, MONDO:0008673, OMIM 193530.
Inborn genetic diseases. Identifiers: MedGen C0950123, MeSH D030342.

gnomAD v4.1: 9 of 1,485,818 alleles (0.00061%); highest among the groups gnomAD compares: South Asian, 0.0013%; no homozygotes.

Submissions (2):

Labcorp Genetics (formerly Invitae), Labcorp
Classification: Uncertain significance for Curry-Hall syndrome; Ellis-van Creveld syndrome. Last evaluated: 2025-08-18. Review status: criteria provided, single submitter. Criteria: Invitae Variant Classification Sherloc (09022015). Collection method: clinical testing. Allele origin: germline.
Comment: This sequence change replaces alanine, which is neutral and non-polar, with threonine, which is neutral and polar, at codon 53 of the EVC2 protein (p.Ala53Thr). This variant is present in population databases (no rsID available, gnomAD 0.007%). This variant has not been reported in the literature in individuals affected with EVC2-related conditions. ClinVar contains an entry for this variant (Variation ID: 3510672). An algorithm developed to predict the effect of missense changes on protein structure and function (PolyPhen-2) suggests that this variant is likely to be tolerated. In summary, the available evidence is currently insufficient to determine the role of this variant in disease. Therefore, it has been classified as a Variant of Uncertain Significance.

Ambry Genetics
Classification: Uncertain significance for Inborn genetic diseases. Last evaluated: 2024-10-29. Review status: criteria provided, single submitter. Criteria: Ambry Variant Classification Scheme 2023. Collection method: clinical testing. Allele origin: germline.

NM_147127.5(EVC2):c.157G>A (p.Ala53Thr)

Gene: EVC2 (EvC ciliary complex subunit 2; minus strand). Cytogenetic location: 4p16.2.
Variant type: single nucleotide variant.
Coding change: c.157G>A on transcript NM_147127.5 (MANE Select); coding-DNA position 157, G replaced by A.
Protein change: p.Ala53Thr; replaces alanine 53 with threonine.
Molecular consequence: missense variant. On other transcripts: intron variant (1).
Genome position (GRCh38, 1-based): chr4:5,708,357, C>T on the plus strand (G>A on the coding strand, the complement: EVC2 is on the minus strand). VCF-style: chr4-5708357-C-T. GRCh37 (hg19) VCF-style: chr4-5710084-C-T.
Other names: c.-13+472G>A (NM_001166136.2); short protein forms A53T.
Identifiers: ClinVar variation 3510672 (VCV003510672.2).
Genomic context (GRCh38, chr4:5,708,357, plus strand): 5'-TCTCGGGCCCCGCCCCGCTCCGCCCCGGAGGGATCCTCAGGCCGGGCCCAGACCTAGGAG[C>T]CACCTGGGGATCCCGGGGTGGCTGCGCGCCGAGGGGGCGCCAGCGGGGACGTGAGCTGGC-3'
Protein context (NP_667338.3, residues 43-63): GAQPPRDPQV[Ala53Thr]PRSGPGLRIP